The following is an entry in ClinVar:

NM_000875.5(IGF1R):c.1693G>A (p.Gly565Ser)

Gene: IGF1R (insulin like growth factor 1 receptor; plus strand). Cytogenetic location: 15q26.3.
Variant type: single nucleotide variant.
Coding change: c.1693G>A on transcript NM_000875.5 (MANE Select); coding-DNA position 1693, G replaced by A.
Protein change: p.Gly565Ser; replaces glycine 565 with serine.
Molecular consequence: missense variant.
Genome position (GRCh38, 1-based): chr15:98,913,147, G>A. VCF-style: chr15-98913147-G-A. GRCh37 (hg19) VCF-style: chr15-99456376-G-A.
Other names: c.1693G>A, p.Gly565Ser (NM_001291858.2); short protein forms G565S.
Identifiers: ClinVar variation 2078007 (VCV002078007.6), dbSNP rs747472047, ClinGen allele CA7752176.

ClinVar aggregate classification (germline): Uncertain significance. Review status: criteria provided, multiple submitters, no conflicts (2 of 4 stars). 2 submissions from 2 submitters: Uncertain significance (2). Last evaluated 2025-12-06.

Conditions:
Inborn genetic diseases. Identifiers: MedGen C0950123, MeSH D030342.

Allele frequency attached by ClinVar (database versions not stated): ExAC 0.00002; gnomAD 0.00002; gnomAD exomes 0.00002; TOPMed 0.00004.
gnomAD v4.1: 39 of 1,614,108 alleles (0.0024%); highest among the groups gnomAD compares: South Asian, 0.0022%; no homozygotes.

Submissions (2):

Labcorp Genetics (formerly Invitae), Labcorp
Classification: Uncertain significance. Last evaluated: 2025-12-06. Review status: criteria provided, single submitter. Criteria: Invitae Variant Classification Sherloc (09022015). Collection method: clinical testing. Allele origin: germline.
Comment: This sequence change replaces glycine, which is neutral and non-polar, with serine, which is neutral and polar, at codon 565 of the IGF1R protein (p.Gly565Ser). This variant is present in population databases (rs747472047, gnomAD 0.06%). This variant has not been reported in the literature in individuals affected with IGF1R-related conditions. ClinVar contains an entry for this variant (Variation ID: 2078007). Invitae Evidence Modeling of protein sequence and biophysical properties (such as structural, functional, and spatial information, amino acid conservation, physicochemical variation, residue mobility, and thermodynamic stability) indicates that this missense variant is not expected to disrupt IGF1R protein function with a negative predictive value of 80%. In summary, the available evidence is currently insufficient to determine the role of this variant in disease. Therefore, it has been classified as a Variant of Uncertain Significance.

Ambry Genetics
Classification: Uncertain significance for Inborn genetic diseases. Last evaluated: 2024-12-04. Review status: criteria provided, single submitter. Criteria: Ambry Variant Classification Scheme 2023. Collection method: clinical testing. Allele origin: germline.